The following is an entry in ClinVar:

NM_015375.3(DSTYK):c.2674G>A (p.Asp892Asn)

Gene: DSTYK (dual serine/threonine and tyrosine protein kinase; minus strand). Cytogenetic location: 1q32.1.
Variant type: single nucleotide variant.
Coding change: c.2674G>A on transcript NM_015375.3 (MANE Select); coding-DNA position 2674, G replaced by A.
Protein change: p.Asp892Asn; replaces aspartic acid 892 with asparagine.
Molecular consequence: missense variant.
Genome position (GRCh38, 1-based): chr1:205,147,674, C>T on the plus strand (G>A on the coding strand, the complement: DSTYK is on the minus strand). VCF-style: chr1-205147674-C-T. GRCh37 (hg19) VCF-style: chr1-205116802-C-T.
Other names: c.2539G>A, p.Asp847Asn (NM_199462.3); short protein forms D847N, D892N.
Identifiers: ClinVar variation 3720272 (VCV003720272.2).

ClinVar aggregate classification (germline): Uncertain significance (1 of 4 stars; one submission).

gnomAD v4.1: 28 of 1,613,952 alleles (0.0017%); highest among the groups gnomAD compares: Admixed American, 0.005%; no homozygotes.

Submission:

Labcorp Genetics (formerly Invitae), Labcorp
Classification: Uncertain significance. Last evaluated: 2024-06-03. Review status: criteria provided, single submitter. Criteria: Invitae Variant Classification Sherloc (09022015). Collection method: clinical testing. Allele origin: germline.
Comment: This sequence change replaces aspartic acid, which is acidic and polar, with asparagine, which is neutral and polar, at codon 892 of the DSTYK protein (p.Asp892Asn). This variant is present in population databases (rs774043987, gnomAD 0.009%). This variant has not been reported in the literature in individuals affected with DSTYK-related conditions. An algorithm developed to predict the effect of missense changes on protein structure and function (PolyPhen-2) suggests that this variant is likely to be disruptive. In summary, the available evidence is currently insufficient to determine the role of this variant in disease. Therefore, it has been classified as a Variant of Uncertain Significance.